The following is an entry in ClinVar:

NM_001134831.2(AHI1):c.1484G>T (p.Arg495Leu)

Gene: AHI1 (Abelson helper integration site 1; minus strand). Cytogenetic location: 6q23.3.
Variant type: single nucleotide variant.
Coding change: c.1484G>T on transcript NM_001134831.2 (MANE Select); coding-DNA position 1484, G replaced by T.
Protein change: p.Arg495Leu; replaces arginine 495 with leucine.
Molecular consequence: missense variant.
Genome position (GRCh38, 1-based): chr6:135,448,432, C>A on the plus strand (G>T on the coding strand, the complement: AHI1 is on the minus strand). VCF-style: chr6-135448432-C-A. GRCh37 (hg19) VCF-style: chr6-135769570-C-A.
Other names: c.1484G>T, p.Arg495Leu (NM_001134830.2, NM_001134832.2, NM_001350503.2 and 2 more transcripts); short protein forms R495L.
Identifiers: ClinVar variation 2848636 (VCV002848636.3), dbSNP rs387907003, ClinGen allele CA365745557.
Genomic context (GRCh38, chr6:135,448,432, plus strand): 5'-AATGCCTCAACAACACTTAATGGGGATCGAGGCTTAGTAGGTGGGTAATATAGCTGCAAG[C>A]GAAGTTTTGAGTTGATGTTTGCATTTCCATTGGCTCCCAGAAGCTTAAAATAAGAATTCA-3'
Protein context (NP_001128303.1, residues 485-505): NGNANINSKL[Arg495Leu]LQLYYPPTKP

ClinVar aggregate classification (germline): Uncertain significance (1 of 4 stars; one submission).

Conditions:
Joubert syndrome. Also called: CEREBELLOPARENCHYMAL DISORDER IV; JOUBERT-BOLTSHAUSER SYNDROME; Familial aplasia of the vermis. Identifiers: Orphanet 475, MedGen C5979921, MONDO:0018772.

Submission:

Labcorp Genetics (formerly Invitae), Labcorp
Classification: Uncertain significance for Joubert syndrome. Last evaluated: 2023-03-22. Review status: criteria provided, single submitter. Criteria: Invitae Variant Classification Sherloc (09022015). Collection method: clinical testing. Allele origin: germline.
Comment: In summary, the available evidence is currently insufficient to determine the role of this variant in disease. Therefore, it has been classified as a Variant of Uncertain Significance. This variant disrupts the p.Arg495 amino acid residue in AHI1. Other variant(s) that disrupt this residue have been determined to be pathogenic (PMID: 21937992). This suggests that this residue is clinically significant, and that variants that disrupt this residue are likely to be disease-causing. Algorithms developed to predict the effect of sequence changes on RNA splicing suggest that this variant may disrupt the consensus splice site. Advanced modeling of protein sequence and biophysical properties (such as structural, functional, and spatial information, amino acid conservation, physicochemical variation, residue mobility, and thermodynamic stability) performed at Invitae indicates that this missense variant is expected to disrupt AHI1 protein function. This missense change has been observed in individual(s) with Joubert syndrome (Invitae). This variant is not present in population databases (gnomAD no frequency). This sequence change replaces arginine, which is basic and polar, with leucine, which is neutral and non-polar, at codon 495 of the AHI1 protein (p.Arg495Leu).

Literature cited by the submitters: PubMed 21937992.